The following is an entry in ClinVar:

NM_002519.3(NPAT):c.1637A>T (p.Lys546Ile)

Gene: NPAT (nuclear protein, coactivator of histone transcription; minus strand). Cytogenetic location: 11q22.3.
Variant type: single nucleotide variant.
Coding change: c.1637A>T on transcript NM_002519.3 (MANE Select); coding-DNA position 1637, A replaced by T.
Protein change: p.Lys546Ile; replaces lysine 546 with isoleucine.
Molecular consequence: missense variant.
Genome position (GRCh38, 1-based): chr11:108,173,347, T>A on the plus strand (A>T on the coding strand, the complement: NPAT is on the minus strand). VCF-style: chr11-108173347-T-A. GRCh37 (hg19) VCF-style: chr11-108044074-T-A.
Other names: c.1637A>T, p.Lys546Ile (NM_001321307.1); short protein forms K546I.
Identifiers: ClinVar variation 1776948 (VCV001776948.2), dbSNP rs2496720585, ClinGen allele CA382514706.

ClinVar aggregate classification (germline): Uncertain significance (1 of 4 stars; one submission).

Submission:

Ambry Genetics
Classification: Uncertain significance. Last evaluated: 2021-11-17. Review status: criteria provided, single submitter. Criteria: Ambry Variant Classification Scheme 2023. Collection method: clinical testing. Allele origin: germline.
Comment: The p.K546I variant (also known as c.1637A>T), located in coding exon 13 of the NPAT gene, results from an A to T substitution at nucleotide position 1637. The lysine at codon 546 is replaced by isoleucine, an amino acid with dissimilar properties. This amino acid position is conserved. In addition, this alteration is predicted to be tolerated by in silico analysis. Since supporting evidence is limited at this time, the clinical significance of this alteration remains unclear.